The following is an entry in ClinVar:

ClinVar aggregate classification (germline): Uncertain significance (1 of 4 stars; one submission).

Submission:

GeneDx
Classification: Uncertain significance. Last evaluated: 2026-06-09. Review status: criteria provided, single submitter. Criteria: GeneDx Variant Classification Process June 2021. Collection method: clinical testing. Allele origin: germline.
Comment: Not observed at significant frequency in large population cohorts (gnomAD); In silico analysis supports that this missense variant has a deleterious effect on protein structure/function; Has not been previously published as pathogenic or benign to our knowledge

NM_001069.3(TUBB2A):c.751C>A (p.Arg251Ser)

Gene: TUBB2A (tubulin beta 2A class IIa; minus strand). Cytogenetic location: 6p25.2.
Variant type: single nucleotide variant.
Coding change: c.751C>A on transcript NM_001069.3 (MANE Select); coding-DNA position 751, C replaced by A.
Protein change: p.Arg251Ser; replaces arginine 251 with serine.
Molecular consequence: missense variant.
Genome position (GRCh38, 1-based): chr6:3,154,450, G>T on the plus strand (C>A on the coding strand, the complement: TUBB2A is on the minus strand). VCF-style: chr6-3154450-G-T. GRCh37 (hg19) VCF-style: chr6-3154684-G-T.
Other names: c.496C>A, p.Arg166Ser (NM_001310315.2); short protein forms R166S, R251S.
Identifiers: ClinVar variation 1801076 (VCV001801076.2), dbSNP rs199600605, ClinGen allele CA133497934.